The following is an entry in ClinVar:

NM_206933.4(USH2A):c.3316+5G>C

Genes: USH2A (usherin; minus strand), USH2A-AS1 (USH2A antisense RNA 1; plus strand). Cytogenetic location: 1q41.
Variant type: single nucleotide variant.
Coding change: c.3316+5G>C on transcript NM_206933.4 (MANE Select); 5 bases into the intron after coding-DNA position 3316, G replaced by C.
Molecular consequence: intron variant.
Genome position (GRCh38, 1-based): chr1:216,207,268, C>G on the plus strand (G>C on the coding strand, the complement: USH2A is on the minus strand). VCF-style: chr1-216207268-C-G. GRCh37 (hg19) VCF-style: chr1-216380610-C-G.
Other names: c.3316+5G>C (NM_007123.6).
Identifiers: ClinVar variation 865756 (VCV000865756.10), dbSNP rs1442104013, ClinGen allele CA528748809.

ClinVar aggregate classification (germline): Uncertain significance. Review status: criteria provided, multiple submitters, no conflicts (2 of 4 stars). 5 submissions from 4 submitters: Uncertain significance (5). Last evaluated 2025-02-10.

Conditions:
Retinitis pigmentosa 39 (RP39). Identifiers: Orphanet 791, MedGen C3151138, MONDO:0013436, OMIM 613809.
Usher syndrome type 2A. Also called: RETINAL DISEASE IN USHER SYNDROME TYPE IIA, MODIFIER OF; USHER SYNDROME, TYPE IIA. Identifiers: Orphanet 231178, Orphanet 886, MedGen C1848634, MONDO:0010169, OMIM 276901.

Allele frequency attached by ClinVar (database versions not stated): gnomAD exomes below 0.00001; TOPMed 0.00001; gnomAD 0.00002.
gnomAD v4.1: 5 of 1,613,800 alleles (0.00031%); highest among the groups gnomAD compares: African/African-American, 0.0067%; no homozygotes.

Submissions (5):

3billion
Classification: Uncertain significance for Retinitis pigmentosa 39. Last evaluated: 2025-02-10. Review status: criteria provided, single submitter. Criteria: ACMG Guidelines, 2015. Collection method: clinical testing. Allele origin: germline. Affected: yes.
Comment: The variant is observed at an extremely low frequency in the gnomAD v4.1.0 dataset (total allele frequency: <0.001%). Predicted Consequence/Location: Intron variant In silico tools predict the variant to alter splicing and produce an abnormal transcript [SpliceAI: 0.95 (>=0.2, moderate evidence for spliceogenicity)]. The variant has been reported as of uncertain significance (ClinVar ID: VCV000865756) Therefore, this variant is classified as VUS according to the recommendation of ACMG/AMP guideline.

Labcorp Genetics (formerly Invitae), Labcorp
Classification: Uncertain significance. Last evaluated: 2024-12-15. Review status: criteria provided, single submitter. Criteria: Invitae Variant Classification Sherloc (09022015). Collection method: clinical testing. Allele origin: germline.
Comment: This sequence change falls in intron 16 of the USH2A gene. It does not directly change the encoded amino acid sequence of the USH2A protein. It affects a nucleotide within the consensus splice site. This variant is present in population databases (no rsID available, gnomAD 0.02%). This variant has not been reported in the literature in individuals affected with USH2A-related conditions. ClinVar contains an entry for this variant (Variation ID: 865756). Variants that disrupt the consensus splice site are a relatively common cause of aberrant splicing (PMID: 17576681, 9536098). Algorithms developed to predict the effect of sequence changes on RNA splicing suggest that this variant may disrupt the consensus splice site. In summary, the available evidence is currently insufficient to determine the role of this variant in disease. Therefore, it has been classified as a Variant of Uncertain Significance.

Genome-Nilou Lab
Classification: Uncertain significance for Retinitis pigmentosa 39. Last evaluated: 2023-04-11. Review status: criteria provided, single submitter. Criteria: ACMG Guidelines, 2015. Collection method: clinical testing. Allele origin: germline. Affected: no.

Genome-Nilou Lab
Classification: Uncertain significance for Usher syndrome type 2A. Last evaluated: 2023-04-11. Review status: criteria provided, single submitter. Criteria: ACMG Guidelines, 2015. Collection method: clinical testing. Allele origin: germline. Affected: no.

Blueprint Genetics
Classification: Uncertain significance. Last evaluated: 2023-03-27. Review status: criteria provided, single submitter. Criteria: ACMG Guidelines, 2015. Collection method: clinical testing. Allele origin: germline.

Literature cited by the submitters: PubMed 17576681 (cited by Labcorp Genetics (formerly Invitae), Labcorp); PubMed 9536098 (cited by Labcorp Genetics (formerly Invitae), Labcorp).